The following is an entry in ClinVar:

ClinVar aggregate classification (germline): Conflicting classifications of pathogenicity. Review status: criteria provided, conflicting classifications (1 of 4 stars). 2 submissions from 2 submitters: Uncertain significance (1); Likely benign (1). Last evaluated 2025-06-29.

Conditions:
Inborn genetic diseases. Identifiers: MedGen C0950123, MeSH D030342.

gnomAD v4.1: 34 of 1,611,098 alleles (0.0021%); highest among the groups gnomAD compares: Admixed American, 0.005%; no homozygotes.

Submissions (2):

Ambry Genetics
Classification: Likely benign for Inborn genetic diseases. Last evaluated: 2025-06-29. Review status: criteria provided, single submitter. Criteria: Ambry Variant Classification Scheme 2023. Collection method: clinical testing. Allele origin: germline.

Labcorp Genetics (formerly Invitae), Labcorp
Classification: Uncertain significance. Last evaluated: 2024-06-06. Review status: criteria provided, single submitter. Criteria: Invitae Variant Classification Sherloc (09022015). Collection method: clinical testing. Allele origin: germline.
Comment: This sequence change replaces serine, which is neutral and polar, with arginine, which is basic and polar, at codon 562 of the ASXL2 protein (p.Ser562Arg). This variant is present in population databases (rs758877187, gnomAD 0.06%). This variant has not been reported in the literature in individuals affected with ASXL2-related conditions. Advanced modeling of protein sequence and biophysical properties (such as structural, functional, and spatial information, amino acid conservation, physicochemical variation, residue mobility, and thermodynamic stability) performed at Invitae indicates that this missense variant is not expected to disrupt ASXL2 protein function with a negative predictive value of 80%. In summary, the available evidence is currently insufficient to determine the role of this variant in disease. Therefore, it has been classified as a Variant of Uncertain Significance.

NM_018263.6(ASXL2):c.1684A>C (p.Ser562Arg)

Gene: ASXL2 (ASXL transcriptional regulator 2; minus strand). Cytogenetic location: 2p23.3.
Variant type: single nucleotide variant.
Coding change: c.1684A>C on transcript NM_018263.6 (MANE Select); coding-DNA position 1684, A replaced by C.
Protein change: p.Ser562Arg; replaces serine 562 with arginine.
Molecular consequence: missense variant.
Genome position (GRCh38, 1-based): chr2:25,749,872, T>G on the plus strand (A>C on the coding strand, the complement: ASXL2 is on the minus strand). VCF-style: chr2-25749872-T-G. GRCh37 (hg19) VCF-style: chr2-25972741-T-G.
Other names: c.1684A>C (NM_018263.4); c.1510A>C, p.Ser504Arg (NM_001369346.1); c.904A>C, p.Ser302Arg (NM_001369347.1); short protein forms S562R, S504R, S302R.
Identifiers: ClinVar variation 3716999 (VCV003716999.3).